The following is an entry in ClinVar:

ClinVar aggregate classification (germline): Uncertain significance. Review status: criteria provided, multiple submitters, no conflicts (2 of 4 stars). 2 submissions from 2 submitters: Uncertain significance (2). Last evaluated 2025-07-22.

Conditions:
Inborn genetic diseases. Identifiers: MedGen C0950123, MeSH D030342.

gnomAD v4.1: 1 of 1,208,028 alleles (0.000083%); highest among the groups gnomAD compares: Non-Finnish European, 0.00011%; no homozygotes.

Submissions (2):

Labcorp Genetics (formerly Invitae), Labcorp
Classification: Uncertain significance. Last evaluated: 2025-07-22. Review status: criteria provided, single submitter. Criteria: Invitae Variant Classification Sherloc (09022015). Collection method: clinical testing. Allele origin: germline.
Comment: This sequence change replaces glycine, which is neutral and non-polar, with arginine, which is basic and polar, at codon 1714 of the CACNA1F protein (p.Gly1714Arg). This variant is not present in population databases (gnomAD no frequency). This variant has not been reported in the literature in individuals affected with CACNA1F-related conditions. ClinVar contains an entry for this variant (Variation ID: 3826626). An algorithm developed to predict the effect of missense changes on protein structure and function (PolyPhen-2) suggests that this variant is likely to be tolerated. In summary, the available evidence is currently insufficient to determine the role of this variant in disease. Therefore, it has been classified as a Variant of Uncertain Significance.

Ambry Genetics
Classification: Uncertain significance for Inborn genetic diseases. Last evaluated: 2025-03-06. Review status: criteria provided, single submitter. Criteria: Ambry Variant Classification Scheme 2023. Collection method: clinical testing. Allele origin: germline.

NM_001256789.3(CACNA1F):c.5107G>A (p.Gly1703Arg)

Gene: CACNA1F (calcium voltage-gated channel subunit alpha1 F; minus strand). Cytogenetic location: Xp11.23.
Variant type: single nucleotide variant.
Coding change: c.5107G>A on transcript NM_001256789.3 (MANE Select); coding-DNA position 5107, G replaced by A.
Protein change: p.Gly1703Arg; replaces glycine 1703 with arginine.
Molecular consequence: missense variant.
Genome position (GRCh38, 1-based): chrX:49,208,531, C>T on the plus strand (G>A on the coding strand, the complement: CACNA1F is on the minus strand). VCF-style: chrX-49208531-C-T. GRCh37 (hg19) VCF-style: chrX-49064991-C-T.
Other names: c.4945G>A, p.Gly1649Arg (NM_001256790.3); c.5140G>A, p.Gly1714Arg (NM_005183.4); short protein forms G1703R, G1714R, G1649R.
Identifiers: ClinVar variation 3826626 (VCV003826626.2).